The following is an entry in ClinVar:

ClinVar aggregate classification (germline): Uncertain significance. Review status: criteria provided, single submitter (1 of 4 stars). 2 submissions from 2 submitters: Uncertain significance (1). 1 of the submissions does not count toward it. Last evaluated 2021-06-21.

Conditions:
Telomere syndrome. Identifiers: MedGen C4727832, MONDO:0100137.
Pulmonary fibrosis and/or bone marrow failure, Telomere-related, 4. Also called: PULMONARY FIBROSIS AND/OR BONE MARROW FAILURE SYNDROME, TELOMERE-RELATED, 4. Identifiers: Orphanet 2032, MedGen C4225347, MONDO:0014612, OMIM 616371.

gnomAD v4.1: 3 of 1,613,074 alleles (0.00019%); highest among the groups gnomAD compares: Non-Finnish European, 0.00025%; no homozygotes.

Submissions (2):

Johns Hopkins Genomics, Johns Hopkins University
Classification: Uncertain significance for Pulmonary fibrosis and/or bone marrow failure, Telomere-related, 4. Last evaluated: 2021-06-21. Review status: criteria provided, single submitter. Criteria: ACMG Guidelines, 2015. Collection method: clinical testing. Allele origin: germline.
Comment: PARN c.39C>G is absent from a large population dataset and has not been reported in ClinVar nor the literature, to our knowledge. Three bioinformatic tools queried predict that this substitution would be tolerated. The histidine residue at this position is evolutionarily conserved across most mammalian species assessed, however a glutamine is present in a subset of mammalian species. We consider the clinical significance of PARN c.39C>G to be uncertain at this time.

The Telomere Center at Johns Hopkins, Johns Hopkins University School of Medicine
Classification: Pathogenic for Telomere syndrome. Last evaluated: 2022-08-01. Review status: no assertion criteria provided. Collection method: clinical testing. Allele origin: germline. Affected: yes. Observed: 2 variant alleles. Not counted in ClinVar's aggregate classification.
Comment: Classified as pathogenic based on segregation in a family with 2+ affected indiviudals with IPF/bone marrow failure and short telomere length and expert opinion

Literature cited by the submitters: PubMed 16281054 (cited by Johns Hopkins Genomics, Johns Hopkins University); PubMed 26482878 (cited by Johns Hopkins Genomics, Johns Hopkins University); PubMed 28414520 (cited by Johns Hopkins Genomics, Johns Hopkins University).

NM_002582.4(PARN):c.39C>G (p.His13Gln)

Gene: PARN (poly(A)-specific ribonuclease; minus strand). Cytogenetic location: 16p13.12.
Variant type: single nucleotide variant.
Coding change: c.39C>G on transcript NM_002582.4 (MANE Select); coding-DNA position 39, C replaced by G.
Protein change: p.His13Gln; replaces histidine 13 with glutamine.
Molecular consequence: missense variant. On other transcripts: 5 prime UTR variant (1).
Genome position (GRCh38, 1-based): chr16:14,629,655, G>C on the plus strand (C>G on the coding strand, the complement: PARN is on the minus strand). VCF-style: chr16-14629655-G-C. GRCh37 (hg19) VCF-style: chr16-14723512-G-C.
Other names: c.-145C>G (NM_001134477.3); c.39C>G, p.His13Gln (NM_001242992.2); short protein forms H13Q.
Identifiers: ClinVar variation 1185035 (VCV001185035.27), dbSNP rs2151826881, ClinGen allele CA394818528.